The following is an entry in ClinVar:

ClinVar aggregate classification (germline): Uncertain significance (1 of 4 stars; one submission).

Conditions:
SCAPER-related disorder. Also called: SCAPER-related condition.

Submission:

PreventionGenetics, part of Exact Sciences
Classification: Uncertain significance for SCAPER-related condition. Last evaluated: 2025-04-02. Review status: criteria provided, single submitter. Criteria: ACMG Guidelines, 2015. Collection method: clinical testing. Allele origin: germline.
Comment: The SCAPER c.25A>C variant is predicted to result in the amino acid substitution p.Asn9His. To our knowledge, this variant has not been reported in the literature or in a large population database (gnomAD), indicating this variant is rare. At this time, the clinical significance of this variant is uncertain due to the absence of conclusive functional and genetic evidence.

NM_020843.4(SCAPER):c.772+2038A>C

Gene: SCAPER (S-phase cyclin A associated protein in the ER; minus strand). Cytogenetic location: 15q24.3.
Variant type: single nucleotide variant.
Coding change: c.772+2038A>C on transcript NM_020843.4 (MANE Select); 2038 bases into the intron after coding-DNA position 772, A replaced by C.
Molecular consequence: intron variant. On other transcripts: missense variant (1).
Genome position (GRCh38, 1-based): chr15:76,793,242, T>G on the plus strand (A>C on the coding strand, the complement: SCAPER is on the minus strand). VCF-style: chr15-76793242-T-G. GRCh37 (hg19) VCF-style: chr15-77085583-T-G.
Other names: c.25A>C, p.Asn9His (NM_001145923.2); c.370+2038A>C (NM_001353011.2, NM_001353012.2, NM_001353010.2); c.772+2038A>C (NM_001353009.2); short protein forms N9H.
Identifiers: ClinVar variation 5001400 (VCV005001400.1).